The following is an entry in ClinVar:

ClinVar aggregate classification (germline): Uncertain significance (1 of 4 stars; one submission).

gnomAD v4.1: 5 of 1,613,712 alleles (0.00031%); highest among the groups gnomAD compares: Non-Finnish European, 0.00042%; no homozygotes.

Submission:

Labcorp Genetics (formerly Invitae), Labcorp
Classification: Uncertain significance. Last evaluated: 2025-10-25. Review status: criteria provided, single submitter. Criteria: Invitae Variant Classification Sherloc (09022015). Collection method: clinical testing. Allele origin: germline.
Comment: This sequence change replaces glutamine, which is neutral and polar, with arginine, which is basic and polar, at codon 2110 of the RP1 protein (p.Gln2110Arg). This variant is present in population databases (no rsID available, gnomAD 0.007%). This variant has not been reported in the literature in individuals affected with RP1-related conditions. An algorithm developed to predict the effect of missense changes on protein structure and function (PolyPhen-2) suggests that this variant is likely to be tolerated. In summary, the available evidence is currently insufficient to determine the role of this variant in disease. Therefore, it has been classified as a Variant of Uncertain Significance.

NM_006269.2(RP1):c.6329A>G (p.Gln2110Arg)

Gene: RP1 (RP1 axonemal microtubule associated; plus strand). Cytogenetic location: 8q12.1.
Variant type: single nucleotide variant.
Coding change: c.6329A>G on transcript NM_006269.2 (MANE Select); coding-DNA position 6329, A replaced by G.
Protein change: p.Gln2110Arg; replaces glutamine 2110 with arginine.
Molecular consequence: missense variant. On other transcripts: intron variant (1).
Genome position (GRCh38, 1-based): chr8:54,630,211, A>G. VCF-style: chr8-54630211-A-G. GRCh37 (hg19) VCF-style: chr8-55542771-A-G.
Other names: c.787+7923A>G (NM_001375654.1); short protein forms Q2110R.
Identifiers: ClinVar variation 4778967 (VCV004778967.1).